The following is an entry in ClinVar:

NM_152703.5(SAMD9L):c.2336A>C (p.Glu779Ala)

Gene: SAMD9L (sterile alpha motif domain containing 9 like; minus strand). Cytogenetic location: 7q21.2.
Variant type: single nucleotide variant.
Coding change: c.2336A>C on transcript NM_152703.5 (MANE Select); coding-DNA position 2336, A replaced by C.
Protein change: p.Glu779Ala; replaces glutamic acid 779 with alanine.
Molecular consequence: missense variant.
Genome position (GRCh38, 1-based): chr7:93,133,636, T>G on the plus strand (A>C on the coding strand, the complement: SAMD9L is on the minus strand). VCF-style: chr7-93133636-T-G. GRCh37 (hg19) VCF-style: chr7-92762949-T-G.
Other names: c.2336A>C, p.Glu779Ala (NM_001303496.3, NM_001303497.3, NM_001303498.3 and 5 more transcripts); short protein forms E779A.
Identifiers: ClinVar variation 3437234 (VCV003437234.1).

ClinVar aggregate classification (germline): Uncertain significance (1 of 4 stars; one submission).

Conditions:
Inborn genetic diseases. Identifiers: MedGen C0950123, MeSH D030342.

Submission:

Ambry Genetics
Classification: Uncertain significance for Inborn genetic diseases. Last evaluated: 2024-12-07. Review status: criteria provided, single submitter. Criteria: Ambry Variant Classification Scheme 2023. Collection method: clinical testing. Allele origin: germline.
Comment: The p.E779A variant (also known as c.2336A>C), located in coding exon 1 of the SAMD9L gene, results from an A to C substitution at nucleotide position 2336. The glutamic acid at codon 779 is replaced by alanine, an amino acid with dissimilar properties. This amino acid position is conserved. In addition, this alteration is predicted to be tolerated by in silico analysis. Based on the available evidence, the clinical significance of this variant remains unclear.